The following is an entry in ClinVar:

ClinVar aggregate classification (germline): Uncertain significance (1 of 4 stars; one submission).

Conditions:
RYR1-related disorder. Also called: RYR1-related condition; RYR1-related disorders. Identifiers: MedGen CN239331.

Submission:

Labcorp Genetics (formerly Invitae), Labcorp
Classification: Uncertain significance for RYR1-related disorder. Last evaluated: 2022-07-26. Review status: criteria provided, single submitter. Criteria: Invitae Variant Classification Sherloc (09022015). Collection method: clinical testing. Allele origin: germline.
Comment: In summary, the available evidence is currently insufficient to determine the role of this variant in disease. Therefore, it has been classified as a Variant of Uncertain Significance. Advanced modeling of protein sequence and biophysical properties (such as structural, functional, and spatial information, amino acid conservation, physicochemical variation, residue mobility, and thermodynamic stability) performed at Invitae indicates that this missense variant is not expected to disrupt RYR1 protein function. This variant has not been reported in the literature in individuals affected with RYR1-related conditions. This variant is not present in population databases (gnomAD no frequency). This sequence change replaces proline, which is neutral and non-polar, with alanine, which is neutral and non-polar, at codon 1543 of the RYR1 protein (p.Pro1543Ala).

NM_000540.3(RYR1):c.4627C>G (p.Pro1543Ala)

Gene: RYR1 (ryanodine receptor 1; plus strand). Cytogenetic location: 19q13.2.
Variant type: single nucleotide variant.
Coding change: c.4627C>G on transcript NM_000540.3 (MANE Select); coding-DNA position 4627, C replaced by G.
Protein change: p.Pro1543Ala; replaces proline 1543 with alanine.
Molecular consequence: missense variant.
Genome position (GRCh38, 1-based): chr19:38,483,033, C>G. VCF-style: chr19-38483033-C-G. GRCh37 (hg19) VCF-style: chr19-38973673-C-G.
Other names: c.4627C>G, p.Pro1543Ala (NM_001042723.2); short protein forms P1543A.
Identifiers: ClinVar variation 1420955 (VCV001420955.6), dbSNP rs2145527385, ClinGen allele CA405649289.
Genomic context (GRCh38, chr19:38,483,033, plus strand): 5'-AACCCTCCCTCCAGCCCACCCGTTTGCTCACCTCGTCCTCTTCTCCTCTGCCAGGTGGAA[C>G]CCAACACTAAGCTATTTCCTGCCGTCTTCGTCCTGCCCACCCACCAGAACGTCATCCAGT-3'
Protein context (NP_000531.2, residues 1533-1553): KESNTFFQVE[Pro1543Ala]NTKLFPAVFV